The following is an entry in ClinVar:

NM_001754.5(RUNX1):c.3G>C (p.Met1Ile)

Gene: RUNX1 (RUNX family transcription factor 1; minus strand). Cytogenetic location: 21q22.12.
Variant type: single nucleotide variant.
Coding change: c.3G>C on transcript NM_001754.5 (MANE Select); coding-DNA position 3, G replaced by C.
Protein change: p.Met1Ile; changes the start codon (methionine 1).
Molecular consequence: missense variant, initiator codon variant.
Genome position (GRCh38, 1-based): chr21:35,048,897, C>G on the plus strand (G>C on the coding strand, the complement: RUNX1 is on the minus strand). VCF-style: chr21-35048897-C-G. GRCh37 (hg19) VCF-style: chr21-36421194-C-G.
Other names: NM_001754.5(RUNX1):c.3G>C; p.Met1Ile; short protein forms M1I.
Identifiers: ClinVar variation 2699552 (VCV002699552.4), dbSNP rs2517384343, ClinGen allele CA410208309.
Genomic context (GRCh38, chr21:35,048,897, plus strand): 5'-CTCACCTCTCATGAAGCACTGTGGGTACGAAGGAAATGACTCAAATATGCTGTCTGAAGC[C>G]ATCGCTTCCTCCTGAAAATGCACCCTCTTCTGAAGGCGGGGGACTCAATGATTTCTTTTA-3'
Protein context (NP_001745.2, residues 1-11): [Met1Ile]ASDSIFESFP

ClinVar aggregate classification (germline): Uncertain significance. Review status: reviewed by expert panel (3 of 4 stars). 2 submissions from 2 submitters: Uncertain significance (1). 1 of the submissions does not count toward it. Last evaluated 2024-09-16.

Conditions:
Hereditary thrombocytopenia and hematological cancer predisposition syndrome associated with RUNX1. Also called: Familial Platelet Disorder with Propensity to Acute Myelogenous Leukemia; Familial thrombocytopenia with propensity to acute myelogenous leukemia; PLATELET DISORDER, ASPIRIN-LIKE; RUNX1 Familial Platelet Disorder with Associated Myeloid Malignancies. Identifiers: Orphanet 71290, MedGen C1832388, MeSH C563324, MONDO:0100083, OMIM 601399.
Hereditary thrombocytopenia and hematologic cancer predisposition syndrome. Identifiers: Orphanet 71290, MedGen CN281654, MONDO:0011071.

Submissions (2):

ClinGen Myeloid Malignancy Variant Curation Expert Panel
Classification: Uncertain significance for Hereditary thrombocytopenia and hematologic cancer predisposition syndrome. Last evaluated: 2024-09-16. Review status: reviewed by expert panel. Criteria: ClinGen MyeloMalig ACMG Specifications v2. Collection method: curation. Allele origin: germline. Inheritance: Autosomal dominant inheritance.
Comment: NM_001754.5(RUNX1):c.3G>C (p.Met1Ile) is a start-loss variant which is not predicted to undergo nonsense-mediated decay. RUNX1 has multiple biologically relevant isoforms, and this variant only affects isoform C. This variant is completely absent from all population databases with at least 20x coverage for RUNX1 (PM2_supporting). In summary, the clinical significance of this variant is uncertain. ACMG/AMP criteria applied, as specified by the Myeloid Malignancy Variant Curation Expert Panel for RUNX1: PM2_supporting.

Labcorp Genetics (formerly Invitae), Labcorp
Classification: Uncertain significance for Hereditary thrombocytopenia and hematological cancer predisposition syndrome associated with RUNX1. Last evaluated: 2023-06-09. Review status: criteria provided, single submitter. Criteria: Invitae Variant Classification Sherloc (09022015). Collection method: clinical testing. Allele origin: germline. Not counted in ClinVar's aggregate classification.
Comment: This sequence change affects the initiator methionine of the RUNX1 mRNA. The next in-frame methionine is located at codon 18. In summary, the available evidence is currently insufficient to determine the role of this variant in disease. Therefore, it has been classified as a Variant of Uncertain Significance. Experimental studies and prediction algorithms are not available or were not evaluated, and the functional significance of this variant is currently unknown. This variant has not been reported in the literature in individuals affected with RUNX1-related conditions. This variant is not present in population databases (gnomAD no frequency).